The following is an entry in ClinVar:

ClinVar aggregate classification (germline): Uncertain significance (1 of 4 stars; one submission).

Submission:

Labcorp Genetics (formerly Invitae), Labcorp
Classification: Uncertain significance. Last evaluated: 2021-12-29. Review status: criteria provided, single submitter. Criteria: Invitae Variant Classification Sherloc (09022015). Collection method: clinical testing. Allele origin: germline.
Comment: This sequence change falls in intron 8 of the VCAN gene. It does not directly change the encoded amino acid sequence of the VCAN protein. In summary, the available evidence is currently insufficient to determine the role of this variant in disease. Therefore, it has been classified as a Variant of Uncertain Significance. Algorithms developed to predict the effect of sequence changes on RNA splicing suggest that this variant may create or strengthen a splice site. This variant has not been reported in the literature in individuals affected with VCAN-related conditions. This variant is not present in population databases (gnomAD no frequency).

NM_004385.5(VCAN):c.9265+17_9265+18insGATTCCTCAGGGATCTAGAACTAGAAATACCATTTGACCCAGCCATCCCATTACTGGGTATATACCCAAATGAGNNNNNNNNNNAAAAAAAAAAAAAAAAAAAAAAGATCACAACATTG

Genes: VCAN (versican; plus strand), VCAN-AS1 (VCAN antisense RNA 1; minus strand). Cytogenetic location: 5q14.3.
Variant type: Insertion.
Coding change: c.9265+17_9265+18insGATTCCTCAGGGATCTAGAACTAGAAATACCATTTGACCCAGCCATCCCATTACTGGGTATATACCCAAATGAGNNNNNNNNNNAAAAAAAAAAAAAAAAAAAAAAGATCACAACATTG on transcript NM_004385.5 (MANE Select); bases 17 to 18 of the intron after coding-DNA position 9265, GATTCCTCAGGGATCTAGAACTAGAAATACCATTTGACCCAGCCATCCCATTACTGGGTATATACCCAAATGAGNNNNNNNNNNAAAAAAAAAAAAAAAAAAAAAAGATCACAACATTG inserted.
Molecular consequence: intron variant.
Genome position: GRCh38: chr5:83,542,285-83,542,286. GRCh37 (hg19): chr5:82,838,104-82,838,105.
Other names: c.4004-3252_4004-3251insGATTCCTCAGGGATCTAGAACTAGAAATACCATTTGACCCAGCCATCCCATTACTGGGTATATACCCAAATGAGNNNNNNNNNNAAAAAAAAAAAAAAAAAAAAAAGATCACAACATTG (NM_001164098.2); c.6304+17_6304+18insGATTCCTCAGGGATCTAGAACTAGAAATACCATTTGACCCAGCCATCCCATTACTGGGTATATACCCAAATGAGNNNNNNNNNNAAAAAAAAAAAAAAAAAAAAAAGATCACAACATTG (NM_001164097.2); c.1043-3252_1043-3251insGATTCCTCAGGGATCTAGAACTAGAAATACCATTTGACCCAGCCATCCCATTACTGGGTATATACCCAAATGAGNNNNNNNNNNAAAAAAAAAAAAAAAAAAAAAAGATCACAACATTG (NM_001126336.3).
Identifiers: ClinVar variation 1368655 (VCV001368655.6), dbSNP rs2112451629.